The following is an entry in ClinVar:

NM_033026.6(PCLO):c.14770del (p.Gln4924fs)

Gene: PCLO (piccolo presynaptic cytomatrix protein; minus strand). Cytogenetic location: 7q21.11.
Variant type: Deletion.
Coding change: c.14770del on transcript NM_033026.6 (MANE Select); coding-DNA position 14770, one base deleted (C; older notation c.14770delC).
Protein change: p.Gln4924fs; shifts the reading frame from glutamine 4924.
Molecular consequence: frameshift variant.
Genome position (GRCh38, 1-based): chr7:82,822,516, G deleted on the plus strand (C on the coding strand, the reverse complement: PCLO is on the minus strand). VCF-style (leftmost placement, unchanged base first): chr7-82822515-TG-T. GRCh37 (hg19) VCF-style: chr7-82451831-TG-T.
Other names: c.14770del, p.Gln4924fs (NM_014510.3); short protein forms Q4924fs.
Identifiers: ClinVar variation 2037161 (VCV002037161.4), dbSNP rs2535255888, ClinGen allele CA2580077401.

ClinVar aggregate classification (germline): Pathogenic (1 of 4 stars; one submission).

Submission:

Labcorp Genetics (formerly Invitae), Labcorp
Classification: Pathogenic. Last evaluated: 2022-09-01. Review status: criteria provided, single submitter. Criteria: Invitae Variant Classification Sherloc (09022015). Collection method: clinical testing. Allele origin: germline.
Comment: This variant is not present in population databases (gnomAD no frequency). For these reasons, this variant has been classified as Pathogenic. This variant has not been reported in the literature in individuals affected with PCLO-related conditions. This sequence change creates a premature translational stop signal (p.Gln4924Asnfs*55) in the PCLO gene. It is expected to result in an absent or disrupted protein product. Loss-of-function variants in PCLO are known to be pathogenic (PMID: 25832664, 30287594).

Literature cited by the submitters: PubMed 25832664; PubMed 30287594.